The following is an entry in ClinVar:

ClinVar aggregate classification (germline): Uncertain significance (1 of 4 stars; one submission).

Allele frequency attached by ClinVar (database versions not stated): TOPMed below 0.00001.

Submission:

GeneDx
Classification: Uncertain significance. Last evaluated: 2022-08-22. Review status: criteria provided, single submitter. Criteria: GeneDx Variant Classification Process June 2021. Collection method: clinical testing. Allele origin: germline. Affected: yes.
Comment: Not observed at significant frequency in large population cohorts (gnomAD); In silico analysis supports that this missense variant has a deleterious effect on protein structure/function; Has not been previously published as pathogenic or benign to our knowledge

NM_001369268.1(ACAN):c.1145T>C (p.Leu382Pro)

Gene: ACAN (aggrecan; plus strand). Cytogenetic location: 15q26.1.
Variant type: single nucleotide variant.
Coding change: c.1145T>C on transcript NM_001369268.1 (MANE Select); coding-DNA position 1145, T replaced by C.
Protein change: p.Leu382Pro; replaces leucine 382 with proline.
Molecular consequence: missense variant.
Genome position (GRCh38, 1-based): chr15:88,845,598, T>C. VCF-style: chr15-88845598-T-C. GRCh37 (hg19) VCF-style: chr15-89388829-T-C.
Other names: c.1145T>C, p.Leu382Pro (NM_001135.4, NM_001411096.1, NM_001411097.1 and 1 more transcripts); short protein forms L382P.
Identifiers: ClinVar variation 2430690 (VCV002430690.1), dbSNP rs1896773119, ClinGen allele CA393709472.